The following is an entry in ClinVar:

ClinVar aggregate classification (germline): Uncertain significance (1 of 4 stars; one submission).

Conditions:
Developmental and epileptic encephalopathy. Identifiers: MedGen C5779964, MONDO:0100620.

Allele frequency attached by ClinVar (database versions not stated): gnomAD exomes below 0.00001 and 0.00001; gnomAD 0.00001; TOPMed 0.00001; ExAC 0.00002.
gnomAD v4.1: 6 of 1,613,874 alleles (0.00037%); highest among the groups gnomAD compares: African/African-American, 0.0027%; no homozygotes.

Submission:

Labcorp Genetics (formerly Invitae), Labcorp
Classification: Uncertain significance for Early-infantile DEE. Last evaluated: 2025-01-13. Review status: criteria provided, single submitter. Criteria: Invitae Variant Classification Sherloc (09022015). Collection method: clinical testing. Allele origin: germline.
Comment: This sequence change replaces valine, which is neutral and non-polar, with isoleucine, which is neutral and non-polar, at codon 410 of the CACNA2D2 protein (p.Val410Ile). This variant is present in population databases (rs763416643, gnomAD 0.01%). This variant has not been reported in the literature in individuals affected with CACNA2D2-related conditions. ClinVar contains an entry for this variant (Variation ID: 461296). An algorithm developed to predict the effect of missense changes on protein structure and function (PolyPhen-2) suggests that this variant¬†is likely to be tolerated. In summary, the available evidence is currently insufficient to determine the role of this variant in disease. Therefore, it has been classified as a Variant of Uncertain Significance.

NM_006030.4(CACNA2D2):c.1228G>A (p.Val410Ile)

Gene: CACNA2D2 (calcium voltage-gated channel auxiliary subunit alpha2delta 2; minus strand). Cytogenetic location: 3p21.31.
Variant type: single nucleotide variant.
Coding change: c.1228G>A on transcript NM_006030.4 (MANE Select); coding-DNA position 1228, G replaced by A.
Protein change: p.Val410Ile; replaces valine 410 with isoleucine.
Molecular consequence: missense variant.
Genome position (GRCh38, 1-based): chr3:50,379,124, C>T on the plus strand (G>A on the coding strand, the complement: CACNA2D2 is on the minus strand). VCF-style: chr3-50379124-C-T. GRCh37 (hg19) VCF-style: chr3-50416555-C-T.
Other names: c.1228G>A, p.Val410Ile (NM_001005505.3, NM_001174051.3); c.1021G>A, p.Val341Ile (NM_001291101.1); short protein forms V410I, V341I.
Identifiers: ClinVar variation 461296 (VCV000461296.5), dbSNP rs763416643, ClinGen allele CA2418941.